The following is an entry in ClinVar:

NM_058246.4(DNAJB6):c.621-15A>T

Gene: DNAJB6 (DnaJ heat shock protein family (Hsp40) member B6; plus strand). Cytogenetic location: 7q36.3.
Variant type: single nucleotide variant.
Coding change: c.621-15A>T on transcript NM_058246.4 (MANE Select); 15 bases into the intron before coding-DNA position 621, A replaced by T.
Molecular consequence: intron variant.
Genome position (GRCh38, 1-based): chr7:157,385,526, A>T. VCF-style: chr7-157385526-A-T. GRCh37 (hg19) VCF-style: chr7-157178220-A-T.
Other names: c.346+18043A>T (NM_001363676.1); c.621-15A>T (NM_005494.3).
Identifiers: ClinVar variation 389327 (VCV000389327.1), dbSNP rs760327435, ClinGen allele CA4590588.

ClinVar aggregate classification (germline): Likely benign (1 of 4 stars; one submission).

Allele frequency attached by ClinVar (database versions not stated): gnomAD exomes below 0.00001; ExAC 0.00001.
gnomAD v4.1: 6 of 1,609,338 alleles (0.00037%); highest among the groups gnomAD compares: African/African-American, 0.0013%; no homozygotes.

Submission:

GeneDx
Classification: Likely benign. Last evaluated: 2016-09-29. Review status: criteria provided, single submitter. Criteria: GeneDx Variant Classification (06012015). Collection method: clinical testing. Allele origin: germline. Affected: yes.
Comment: This variant is considered likely benign or benign based on one or more of the following criteria: it is a conservative change, it occurs at a poorly conserved position in the protein, it is predicted to be benign by multiple in silico algorithms, and/or has population frequency not consistent with disease.